The following is an entry in ClinVar:

NM_032043.3(BRIP1):c.2379+4G>A

Gene: BRIP1 (BRCA1 interacting DNA helicase 1; minus strand). Cytogenetic location: 17q23.2.
Variant type: single nucleotide variant.
Coding change: c.2379+4G>A on transcript NM_032043.3 (MANE Select); 4 bases into the intron after coding-DNA position 2379, G replaced by A.
Molecular consequence: intron variant.
Genome position (GRCh38, 1-based): chr17:61,743,009, C>T on the plus strand (G>A on the coding strand, the complement: BRIP1 is on the minus strand). VCF-style: chr17-61743009-C-T. GRCh37 (hg19) VCF-style: chr17-59820370-C-T.
Identifiers: ClinVar variation 1790393 (VCV001790393.9), dbSNP rs980793349, ClinGen allele CA292268881.

ClinVar aggregate classification (germline): Conflicting classifications of pathogenicity. Review status: criteria provided, conflicting classifications (1 of 4 stars). 3 submissions from 3 submitters: Uncertain significance (2); Likely benign (1). Last evaluated 2024-09-04.

Conditions:
Familial cancer of breast. Also called: BREAST CANCER, FAMILIAL; hereditary breast carcinoma; Hereditary breast cancer. Identifiers: Orphanet 227535, MedGen C0346153, MONDO:0016419, OMIM 114480. Disease mechanism: loss of function.
Fanconi anemia complementation group J. Also called: BRIP1-Related Fanconi Anemia. Identifiers: Orphanet 84, MedGen C1836860, MONDO:0012187, OMIM 609054.
Hereditary cancer-predisposing syndrome. Also called: Neoplastic Syndromes, Hereditary; Tumor predisposition; Hereditary neoplastic syndrome; Hereditary Cancer Syndrome. Identifiers: Orphanet 140162, MedGen C0027672, MeSH D009386, MONDO:0015356.

Submissions (3):

Myriad Genetics, Inc.
Classification: Likely benign for Familial cancer of breast. Last evaluated: 2024-09-04. Review status: criteria provided, single submitter. Criteria: Myriad Autosomal Dominant, Autosomal Recessive and X-Linked Classification Criteria (2023). Collection method: clinical testing. Allele origin: unknown.
Comment: This variant is considered likely benign. This variant is intronic and is not expected to impact mRNA splicing.

Labcorp Genetics (formerly Invitae), Labcorp
Classification: Uncertain significance for Familial cancer of breast; Fanconi anemia complementation group J. Last evaluated: 2023-03-24. Review status: criteria provided, single submitter. Criteria: Invitae Variant Classification Sherloc (09022015). Collection method: clinical testing. Allele origin: germline.
Comment: This variant has not been reported in the literature in individuals affected with BRIP1-related conditions. ClinVar contains an entry for this variant (Variation ID: 1790393). Variants that disrupt the consensus splice site are a relatively common cause of aberrant splicing (PMID: 17576681, 9536098). Algorithms developed to predict the effect of sequence changes on RNA splicing suggest that this variant is not likely to affect RNA splicing. In summary, the available evidence is currently insufficient to determine the role of this variant in disease. Therefore, it has been classified as a Variant of Uncertain Significance. This variant is not present in population databases (gnomAD no frequency). This sequence change falls in intron 16 of the BRIP1 gene. It does not directly change the encoded amino acid sequence of the BRIP1 protein. It affects a nucleotide within the consensus splice site.

Ambry Genetics
Classification: Uncertain significance for Hereditary cancer-predisposing syndrome. Last evaluated: 2022-10-31. Review status: criteria provided, single submitter. Criteria: Ambry Variant Classification Scheme 2023. Collection method: clinical testing. Allele origin: germline.
Comment: The c.2379+4G>A intronic variant results from a G to A substitution 4 nucleotides after coding exon 15 in the BRIP1 gene. This nucleotide position is not well conserved in available vertebrate species. In silico splice site analysis predicts that this alteration will not have any significant effect on splicing. Since supporting evidence is limited at this time, the clinical significance of this alteration remains unclear.

Literature cited by the submitters: PubMed 17576681 (cited by Labcorp Genetics (formerly Invitae), Labcorp); PubMed 9536098 (cited by Labcorp Genetics (formerly Invitae), Labcorp).